The following is an entry in ClinVar:

NM_001987.5(ETV6):c.829C>G (p.Leu277Val)

Gene: ETV6 (ETS variant transcription factor 6; plus strand). Cytogenetic location: 12p13.2.
Variant type: single nucleotide variant.
Coding change: c.829C>G on transcript NM_001987.5 (MANE Select); coding-DNA position 829, C replaced by G.
Protein change: p.Leu277Val; replaces leucine 277 with valine.
Molecular consequence: missense variant.
Genome position (GRCh38, 1-based): chr12:11,869,789, C>G. VCF-style: chr12-11869789-C-G. GRCh37 (hg19) VCF-style: chr12-12022723-C-G.
Other names: c.826C>G, p.Leu276Val (NM_001413913.1); c.802C>G, p.Leu268Val (NM_001413914.1); c.565C>G, p.Leu189Val (NM_001413915.1); c.829C>G, p.Leu277Val (NM_001413916.1, NM_001413917.1); short protein forms L268V, L276V, L189V, L277V.
Identifiers: ClinVar variation 5008099 (VCV005008099.1).

ClinVar aggregate classification (germline): Uncertain significance (1 of 4 stars; one submission).

gnomAD v4.1: 2 of 1,613,330 alleles (0.00012%); highest among the groups gnomAD compares: Non-Finnish European, 0.00017%; no homozygotes.

Submission:

GeneDx
Classification: Uncertain significance. Last evaluated: 2026-03-06. Review status: criteria provided, single submitter. Criteria: GeneDx Variant Classification Process June 2021. Collection method: clinical testing. Allele origin: germline.
Comment: Not observed at significant frequency in large population cohorts (gnomAD); In silico analysis suggests that this missense variant does not alter protein structure/function; Has not been previously published as pathogenic or benign to our knowledge; This variant is associated with the following publications: (PMID: 28637624, 28555414)